The following is an entry in ClinVar:

ClinVar aggregate classification (germline): Uncertain significance (1 of 4 stars; one submission).

Allele frequency attached by ClinVar (database versions not stated): gnomAD exomes below 0.00001; gnomAD 0.00003; TOPMed 0.00003.
gnomAD v4.1: 6 of 1,586,868 alleles (0.00038%); highest among the groups gnomAD compares: African/African-American, 0.0081%; no homozygotes.

Submission:

Labcorp Genetics (formerly Invitae), Labcorp
Classification: Uncertain significance. Last evaluated: 2024-10-22. Review status: criteria provided, single submitter. Criteria: Invitae Variant Classification Sherloc (09022015). Collection method: clinical testing. Allele origin: germline.
Comment: This sequence change falls in intron 3 of the MICAL1 gene. It does not directly change the encoded amino acid sequence of the MICAL1 protein. This variant is present in population databases (no rsID available, gnomAD 0.01%). This variant has not been reported in the literature in individuals affected with MICAL1-related conditions. Algorithms developed to predict the effect of sequence changes on RNA splicing suggest that this variant may create or strengthen a splice site. In summary, the available evidence is currently insufficient to determine the role of this variant in disease. Therefore, it has been classified as a Variant of Uncertain Significance.

NM_022765.4(MICAL1):c.466+9C>G

Gene: MICAL1 (microtubule associated monooxygenase, calponin and LIM domain containing 1; minus strand). Cytogenetic location: 6q21.
Variant type: single nucleotide variant.
Coding change: c.466+9C>G on transcript NM_022765.4 (MANE Select); 9 bases into the intron after coding-DNA position 466, C replaced by G.
Molecular consequence: intron variant.
Genome position (GRCh38, 1-based): chr6:109,453,629, G>C on the plus strand (C>G on the coding strand, the complement: MICAL1 is on the minus strand). VCF-style: chr6-109453629-G-C. GRCh37 (hg19) VCF-style: chr6-109774832-G-C.
Other names: c.523+9C>G (NM_001286613.2); c.466+9C>G (NM_001159291.2).
Identifiers: ClinVar variation 2900869 (VCV002900869.3), dbSNP rs934204089, ClinGen allele CA145122982.